The following is an entry in ClinVar:

ClinVar aggregate classification (germline): Benign/Likely benign. Review status: criteria provided, multiple submitters, no conflicts (2 of 4 stars). 2 submissions from 2 submitters: Benign (1); Likely benign (1). Last evaluated 2024-04-09.

Conditions:
Familial adenomatous polyposis 1 (FAP1). Also called: FAMILIAL ADENOMATOUS POLYPOSIS 1, ATTENUATED; POLYPOSIS, ADENOMATOUS INTESTINAL. Identifiers: MedGen C2713442, MONDO:0021056, OMIM 175100. Disease mechanism: loss of function.

Submissions (2):

Myriad Genetics, Inc.
Classification: Benign for Familial adenomatous polyposis 1. Last evaluated: 2024-04-09. Review status: criteria provided, single submitter. Criteria: Myriad Autosomal Dominant, Autosomal Recessive and X-Linked Classification Criteria (2023). Collection method: clinical testing. Allele origin: unknown.
Comment: This variant is considered benign. This variant is a silent/synonymous amino acid change and it is not expected to impact splicing.

Labcorp Genetics (formerly Invitae), Labcorp
Classification: Likely benign for Familial adenomatous polyposis 1. Last evaluated: 2023-05-26. Review status: criteria provided, single submitter. Criteria: Invitae Variant Classification Sherloc (09022015). Collection method: clinical testing. Allele origin: germline.

NM_000038.6(APC):c.7476T>C (p.Ser2492=)

Gene: APC (APC regulator of Wnt signaling pathway; plus strand). Cytogenetic location: 5q22.2.
Variant type: single nucleotide variant.
Coding change: c.7476T>C on transcript NM_000038.6 (MANE Select); coding-DNA position 7476, T replaced by C.
Protein change: p.Ser2492=; no amino-acid change (serine 2492 retained).
Molecular consequence: synonymous variant. On other transcripts: non-coding transcript variant (2).
Genome position (GRCh38, 1-based): chr5:112,843,070, T>C. VCF-style: chr5-112843070-T-C. GRCh37 (hg19) VCF-style: chr5-112178767-T-C.
Other names: c.7476T>C, p.Ser2492= (NM_001127510.3, NM_001354895.2, NM_001407450.1); c.7422T>C, p.Ser2474= (NM_001127511.3); c.7530T>C, p.Ser2510= (NM_001354896.2, NM_001407447.1, NM_001407448.1 and 1 more transcripts); c.7506T>C, p.Ser2502= (NM_001354897.2); c.7401T>C, p.Ser2467= (NM_001354898.2); c.7392T>C, p.Ser2464= (NM_001354899.2); c.7353T>C, p.Ser2451= (NM_001354900.2); c.7299T>C, p.Ser2433= (NM_001354901.2, NM_001407453.1); and 11 more.
Identifiers: ClinVar variation 2781578 (VCV002781578.4), dbSNP rs2149987860, ClinGen allele CA446210791.
Genomic context (GRCh38, chr5:112,843,070, plus strand): 5'-TTCTCCCACTAGGTCCCAGGCACAAACTCCAGTTTTAAGTCCTTCCCTTCCTGATATGTC[T>C]CTATCCACACATTCGTCTGTTCAGGCTGGTGGATGGCGAAAACTCCCACCTAATCTCAGT-3'
Protein context (NP_000029.2, residues 2482-2502): PVLSPSLPDM[Ser2492=]LSTHSSVQAG